The following is an entry in ClinVar:

NM_206933.4(USH2A):c.11039C>T (p.Ala3680Val)

Gene: USH2A (usherin; minus strand). Cytogenetic location: 1q41.
Variant type: single nucleotide variant.
Coding change: c.11039C>T on transcript NM_206933.4 (MANE Select); coding-DNA position 11039, C replaced by T.
Protein change: p.Ala3680Val; replaces alanine 3680 with valine.
Molecular consequence: missense variant.
Genome position (GRCh38, 1-based): chr1:215,766,689, G>A on the plus strand (C>T on the coding strand, the complement: USH2A is on the minus strand). VCF-style: chr1-215766689-G-A. GRCh37 (hg19) VCF-style: chr1-215940031-G-A.
Other names: short protein forms A3680V.
Identifiers: ClinVar variation 2662477 (VCV002662477.1), dbSNP rs999569692, ClinGen allele CA37429040.

ClinVar aggregate classification (germline): Uncertain significance (1 of 4 stars; one submission).

gnomAD v4.1: 1 of 1,613,294 alleles (0.000062%); no homozygotes.

Submission:

GeneDx
Classification: Uncertain significance. Last evaluated: 2023-04-06. Review status: criteria provided, single submitter. Criteria: GeneDx Variant Classification Process June 2021. Collection method: clinical testing. Allele origin: germline. Affected: yes.
Comment: Not observed at significant frequency in large population cohorts (gnomAD); In silico analysis supports that this missense variant does not alter protein structure/function; Has not been previously published as pathogenic or benign to our knowledge